The following is an entry in ClinVar:

ClinVar aggregate classification (germline): Pathogenic/Likely pathogenic. Review status: criteria provided, multiple submitters, no conflicts (2 of 4 stars). 2 submissions from 2 submitters: Pathogenic (1); Likely pathogenic (1). Last evaluated 2024-11-20.

Conditions:
Holoprosencephaly 9 (HPE9). Also called: PITUITARY ANOMALIES WITH HOLOPROSENCEPHALY-LIKE FEATURES; HOLOPROSENCEPHALY WITH MICROPHTHALMIA AND FIRST BRANCHIAL ARCH ANOMALIES. Identifiers: Orphanet 2162, MedGen C1835819, MONDO:0012563, OMIM 610829.
Postaxial polydactyly-anterior pituitary anomalies-facial dysmorphism syndrome. Also called: Culler-Jones syndrome. Identifiers: Orphanet 420584, MedGen C4014479, MONDO:0014369, OMIM 615849.

Submissions (2):

3billion
Classification: Pathogenic for Holoprosencephaly 9. Last evaluated: 2024-11-20. Review status: criteria provided, single submitter. Criteria: ACMG Guidelines, 2015. Collection method: clinical testing. Allele origin: germline. Affected: yes.
Comment: The variant is not observed in the gnomAD v4.1.0 dataset. Predicted Consequence/Location: Canonical splice site: predicted to alter splicing and result in a loss or disruption of normal protein function. Multiple pathogenic loss-of-function variants are reported downstream of the variant. In silico tools predict the variant to alter splicing and produce an abnormal transcript [SpliceAI: 0.99 (spliceogenicity >=0.2, non-spliceogenicity <0.1)]. The variant has been reported to be associated with GLI2 related disorder (ClinVar ID: VCV000576501). Therefore, this variant is classified as Pathogenic according to the recommendation of ACMG/AMP guideline.

Labcorp Genetics (formerly Invitae), Labcorp
Classification: Likely pathogenic for Culler-Jones syndrome; Holoprosencephaly 9. Last evaluated: 2018-06-11. Review status: criteria provided, single submitter. Criteria: Invitae Variant Classification Sherloc (09022015). Collection method: clinical testing. Allele origin: germline.
Comment: This sequence change affects a donor splice site in intron 11 of the GLI2 gene. It is expected to disrupt RNA splicing and likely results in an absent or disrupted protein product. This variant is not present in population databases (ExAC no frequency). This variant has not been reported in the literature in individuals with GLI2-related disease. Algorithms developed to predict the effect of sequence changes on RNA splicing suggest that this variant may disrupt the consensus splice site, but this prediction has not been confirmed by published transcriptional studies. Donor and acceptor splice site variants typically lead to a loss of protein function (PMID: 16199547), and loss-of-function variants in GLI2 are known to be pathogenic (PMID: 14581620, 20685856). In summary, the currently available evidence indicates that the variant is pathogenic, but additional data are needed to prove that conclusively. Therefore, this variant has been classified as Likely Pathogenic.

Literature cited by the submitters: PubMed 20685856 (cited by Labcorp Genetics (formerly Invitae), Labcorp); PubMed 14581620 (cited by Labcorp Genetics (formerly Invitae), Labcorp).

NM_001374353.1(GLI2):c.1905+1G>A

Gene: GLI2 (GLI family zinc finger 2; plus strand). Cytogenetic location: 2q14.2.
Variant type: single nucleotide variant.
Coding change: c.1905+1G>A on transcript NM_001374353.1 (MANE Select); the canonical splice donor site of the intron after coding-DNA position 1905, G replaced by A.
Molecular consequence: splice donor variant.
Genome position (GRCh38, 1-based): chr2:120,984,744, G>A. VCF-style: chr2-120984744-G-A. GRCh37 (hg19) VCF-style: chr2-121742320-G-A.
Other names: c.1956+1G>A (NM_001371271.1, NM_005270.5); c.1530+1G>A (NM_001374354.1).
Identifiers: ClinVar variation 576501 (VCV000576501.2), dbSNP rs1558937172, ClinGen allele CA348163506.